The following is an entry in ClinVar:

NM_000059.4(BRCA2):c.6958T>C (p.Leu2320=)

Gene: BRCA2 (BRCA2 DNA repair associated; plus strand). Cytogenetic location: 13q13.1.
Variant type: single nucleotide variant.
Coding change: c.6958T>C on transcript NM_000059.4 (MANE Select); coding-DNA position 6958, T replaced by C.
Protein change: p.Leu2320=; no amino-acid change (leucine 2320 retained).
Molecular consequence: synonymous variant.
Genome position (GRCh38, 1-based): chr13:32,346,847, T>C. VCF-style: chr13-32346847-T-C. GRCh37 (hg19) VCF-style: chr13-32920984-T-C.
Identifiers: ClinVar variation 919642 (VCV000919642.14), dbSNP rs1438402956, ClinGen allele CA483275756.

ClinVar aggregate classification (germline): Likely benign. Review status: criteria provided, multiple submitters, no conflicts (2 of 4 stars). 5 submissions from 5 submitters: Likely benign (5). Last evaluated 2025-03-04.

Conditions:
Hereditary breast ovarian cancer syndrome. Also called: BRCA1- and BRCA2-Associated Hereditary Breast and Ovarian Cancer; Hereditary breast and ovarian cancer syndrome; Hereditary breast and ovarian cancer; Hereditary breast and ovarian cancer syndrome (HBOC); Breast and ovarian cancer; Hereditary breast and/or ovarian cancer syndrome. Identifiers: Orphanet 145, MedGen C0677776, MeSH D061325, MONDO:0003582. Disease mechanism: loss of function.
Hereditary cancer-predisposing syndrome. Also called: Neoplastic Syndromes, Hereditary; Tumor predisposition; Hereditary Cancer Syndrome; Hereditary neoplastic syndrome. Identifiers: Orphanet 140162, MedGen C0027672, MeSH D009386, MONDO:0015356.

Allele frequency attached by ClinVar (database versions not stated): gnomAD exomes below 0.00001.

Submissions (5):

Center for Genomic Medicine, Rigshospitalet, Copenhagen University Hospital
Classification: Likely benign. Last evaluated: 2025-03-04. Review status: criteria provided, single submitter. Criteria: ACMG Guidelines, 2015. Collection method: clinical testing. Allele origin: germline.
Comment: Classification criteria: BP4, BP7

Women's Health and Genetics/Laboratory Corporation of America, LabCorp
Classification: Likely benign. Last evaluated: 2024-12-06. Review status: criteria provided, single submitter. Criteria: LabCorp Variant Classification Summary - May 2015. Collection method: clinical testing. Allele origin: germline.

Ambry Genetics
Classification: Likely benign for Hereditary cancer-predisposing syndrome. Last evaluated: 2024-04-20. Review status: criteria provided, single submitter. Criteria: Ambry Variant Classification Scheme 2023. Collection method: clinical testing. Allele origin: germline.

Labcorp Genetics (formerly Invitae), Labcorp
Classification: Likely benign for Hereditary breast ovarian cancer syndrome. Last evaluated: 2024-01-21. Review status: criteria provided, single submitter. Criteria: Invitae Variant Classification Sherloc (09022015). Collection method: clinical testing. Allele origin: germline.

Color Diagnostics, LLC DBA Color Health
Classification: Likely benign for Hereditary cancer-predisposing syndrome. Last evaluated: 2018-11-06. Review status: criteria provided, single submitter. Criteria: ACMG Guidelines, 2015. Collection method: clinical testing. Allele origin: germline.